The following is an entry in ClinVar:

ClinVar aggregate classification (germline): Likely pathogenic. Review status: criteria provided, multiple submitters, no conflicts (2 of 4 stars). 2 submissions from 2 submitters: Likely pathogenic (2). Last evaluated 2019-12-30.

Conditions:
Ehlers-Danlos syndrome, type 4 (EDSVASC). Also called: Ehlers-Danlos syndrome vascular type; Ehlers Danlos syndrome, ecchymotic type; Ehlers Danlos syndrome, arterial type; Ehlers Danlos syndrome, Sack-Barabas type; Ehlers-Danlos Syndrome Type IV. Identifiers: Orphanet 286, MedGen C0268338, MONDO:0017314, OMIM 130050.

Submissions (2):

Human Genome Sequencing Center Clinical Lab, Baylor College of Medicine
Classification: Likely pathogenic for Vascular Ehlers-Danlos syndrome. Last evaluated: 2019-12-30. Review status: criteria provided, single submitter. Criteria: ACMG Guidelines, 2015. Collection method: clinical testing. Allele origin: germline.
Comment: This c.3202G>T variant in the COL3A1 gene results in the substitution of a glycine amino acid with a cysteine at codon 1068 of the encoded protein (p.Gly1068Cys). This glycine substitution lies within the Gly-X-Y repeat of the triple helical region of the type III procollagen molecule where the majority of identified pathogenic variants reside (PMID: 24922459, 25758994). This variant is not present in population databases (gnomAD). Multiple lines of computational evidence support a deleterious effect on the protein product. Though this variant has not been previously reported, a different missense change at the same amino acid position (p.Gly1068Val) has been reported in an individual affected with vascular Ehlers-Danlos syndrome (PMID: 24922459). Therefore, this variant is classified as likely pathogenic.

Labcorp Genetics (formerly Invitae), Labcorp
Classification: Likely pathogenic for Ehlers-Danlos syndrome, type 4. Last evaluated: 2018-07-31. Review status: criteria provided, single submitter. Criteria: Invitae Variant Classification Sherloc (09022015). Collection method: clinical testing. Allele origin: germline.
Comment: In summary, the currently available evidence indicates that the variant is pathogenic, but additional data are needed to prove that conclusively. Therefore, this variant has been classified as Likely Pathogenic. A different missense substitution at this codon (p.Gly1068Val) has been reported in an individual affected with Ehlers-Danlos syndrome type IV (PMID: 24922459). Glycine residues within the Gly-Xaa-Yaa repeats of the triple helix domain are required for the structure and stability of fibrillar collagens (PMID: 7695699, 8218237, 19344236). In COL3A1, missense variants at these glycine residues are significantly enriched in individuals with disease (PMID: 24922459, 25758994) compared to the general population (ExAC). This variant has not been reported in the literature in individuals with COL3A1-related disease. This variant is not present in population databases (ExAC no frequency). This sequence change replaces glycine with cysteine at codon 1068 of the COL3A1 protein (p.Gly1068Cys). The glycine residue is moderately conserved and there is a large physicochemical difference between glycine and cysteine.

Literature cited by the submitters: PubMed 24922459 (cited by Labcorp Genetics (formerly Invitae), Labcorp); PubMed 7695699 (cited by Labcorp Genetics (formerly Invitae), Labcorp); PubMed 8218237 (cited by Labcorp Genetics (formerly Invitae), Labcorp); PubMed 19344236 (cited by Labcorp Genetics (formerly Invitae), Labcorp); PubMed 25758994 (cited by Labcorp Genetics (formerly Invitae), Labcorp).

NM_000090.4(COL3A1):c.3202G>T (p.Gly1068Cys)

Gene: COL3A1 (collagen type III alpha 1 chain; plus strand). Cytogenetic location: 2q32.2.
Variant type: single nucleotide variant.
Coding change: c.3202G>T on transcript NM_000090.4 (MANE Select); coding-DNA position 3202, G replaced by T.
Protein change: p.Gly1068Cys; replaces glycine 1068 with cysteine.
Molecular consequence: missense variant.
Genome position (GRCh38, 1-based): chr2:189,006,937, G>T. VCF-style: chr2-189006937-G-T. GRCh37 (hg19) VCF-style: chr2-189871663-G-T.
Other names: short protein forms G1068C.
Identifiers: ClinVar variation 572498 (VCV000572498.11), dbSNP rs1559061954, ClinGen allele CA349845231.
Genomic context (GRCh38, chr2:189,006,937, plus strand): 5'-TGTGTCAACACATAAAACTAGTTCCGTGTATGTCTTCTCAATTGAATGTTTTCATCTTAG[G>T]GCCCTGCTGGCCCTGCTGGTGCTCCCGGTCCTGCTGGTTCCCGAGGTGCTCCTGTAAGTT-3'
Protein context (NP_000081.2, residues 1058-1078): AGKSGDRGES[Gly1068Cys]PAGPAGAPGP